The following is an entry in ClinVar:

NM_000552.5(VWF):c.7182T>G (p.Cys2394Trp)

Gene: VWF (von Willebrand factor; minus strand). Cytogenetic location: 12p13.31.
Variant type: single nucleotide variant.
Coding change: c.7182T>G on transcript NM_000552.5 (MANE Select); coding-DNA position 7182, T replaced by G.
Protein change: p.Cys2394Trp; replaces cysteine 2394 with tryptophan.
Molecular consequence: missense variant.
Genome position (GRCh38, 1-based): chr12:5,981,891, A>C on the plus strand (T>G on the coding strand, the complement: VWF is on the minus strand). VCF-style: chr12-5981891-A-C. GRCh37 (hg19) VCF-style: chr12-6091057-A-C.
Other names: short protein forms C2394W.
Identifiers: ClinVar variation 1065302 (VCV001065302.3), dbSNP rs2136371247, ClinGen allele CA383491049.

ClinVar aggregate classification (germline): Uncertain significance (0 of 4 stars; one submission).

Conditions:
von Willebrand disease type 3 (VWD3). Also called: Type 3 Von Willebrand's disease; Type 3 VWD; Von Willebrand disease, severe form; V WD3; VON WILLEBRAND DISEASE, TYPE III. Identifiers: Orphanet 166096, MedGen C1264041, MONDO:0010191, OMIM 277480.

Submission:

Angelo Bianchi Bonomi Hemophilia and Thrombosis Center, Fondazione IRCCS Ca Granda Ospedale Maggiore Policlinico
Classification: Uncertain significance for von Willebrand disease type 3. Last evaluated: 2020-11-01. Review status: no assertion criteria provided. Collection method: clinical testing. Allele origin: germline. Affected: yes. Study: Type 3 Von Willebrand International Registries Inhibitor Prospective Study (3WINTERS-IPS).
Comment: ClinGen Pathogenicity Calculator